The following is an entry in ClinVar:

ClinVar aggregate classification (germline): Likely benign. Review status: criteria provided, single submitter (1 of 4 stars). 2 submissions from 2 submitters: Likely benign (1). 1 of the submissions does not count toward it. Last evaluated 2025-09-25.

Conditions:
EFTUD2-related disorder. Also called: EFTUD2-related condition.

Allele frequency attached by ClinVar (database versions not stated): gnomAD 0.00003.
gnomAD v4.1: 36 of 1,613,136 alleles (0.0022%); highest among the groups gnomAD compares: South Asian, 0.022%; no homozygotes.

Submissions (2):

Labcorp Genetics (formerly Invitae), Labcorp
Classification: Likely benign. Last evaluated: 2025-09-25. Review status: criteria provided, single submitter. Criteria: Invitae Variant Classification Sherloc (09022015). Collection method: clinical testing. Allele origin: germline.

PreventionGenetics, part of Exact Sciences
Classification: Likely benign for EFTUD2-related condition. Last evaluated: 2019-03-13. Review status: no assertion criteria provided. Collection method: clinical testing. Allele origin: germline. Not counted in ClinVar's aggregate classification.
Comment: This variant is classified as likely benign based on ACMG/AMP sequence variant interpretation guidelines (Richards et al. 2015 PMID: 25741868, with internal and published modifications).

NM_004247.4(EFTUD2):c.957G>A (p.Thr319=)

Gene: EFTUD2 (elongation factor Tu GTP binding domain containing 2; minus strand). Cytogenetic location: 17q21.31.
Variant type: single nucleotide variant.
Coding change: c.957G>A on transcript NM_004247.4 (MANE Select); coding-DNA position 957, G replaced by A.
Protein change: p.Thr319=; no amino-acid change (threonine 319 retained).
Molecular consequence: synonymous variant.
Genome position (GRCh38, 1-based): chr17:44,872,483, C>T on the plus strand (G>A on the coding strand, the complement: EFTUD2 is on the minus strand). VCF-style: chr17-44872483-C-T. GRCh37 (hg19) VCF-style: chr17-42949851-C-T.
Other names: c.852G>A, p.Thr284= (NM_001142605.2); c.957G>A, p.Thr319= (NM_001258353.2); c.927G>A, p.Thr309= (NM_001258354.2); c.957G>A (NM_004247.3).
Identifiers: ClinVar variation 2852667 (VCV002852667.5), dbSNP rs759148814, ClinGen allele CA8607943.
Genomic context (GRCh38, chr17:44,872,483, plus strand): 5'-ACAGACTGCCAGCCAGCGCTTACCAAAGGTGTCGGCATAGATCTTGGCAAAGGAGCCCAG[C>T]GTGAAGCAGATGCTGTACTGGGAGCTGGAGAAGCAGACGTTACCCAGGAGTGGGGAAAGG-3'
Protein context (NP_004238.3, residues 309-329): FSSSQYSICF[Thr319=]LGSFAKIYAD